The following is an entry in ClinVar:

NM_001868.4(CPA1):c.943C>A (p.Pro315Thr)

Gene: CPA1 (carboxypeptidase A1; plus strand). Cytogenetic location: 7q32.2.
Variant type: single nucleotide variant.
Coding change: c.943C>A on transcript NM_001868.4 (MANE Select); coding-DNA position 943, C replaced by A.
Protein change: p.Pro315Thr; replaces proline 315 with threonine.
Molecular consequence: missense variant.
Genome position (GRCh38, 1-based): chr7:130,385,301, C>A. VCF-style: chr7-130385301-C-A. GRCh37 (hg19) VCF-style: chr7-130025142-C-A.
Other names: c.943C>A (NM_001868.2); short protein forms P315T.
Identifiers: ClinVar variation 1062829 (VCV001062829.10), dbSNP rs1554411830, ClinGen allele CA369283847.

ClinVar aggregate classification (germline): Uncertain significance. Review status: criteria provided, multiple submitters, no conflicts (2 of 4 stars). 2 submissions from 2 submitters: Uncertain significance (2). Last evaluated 2024-11-21.

Conditions:
Hereditary pancreatitis (PCTT). Also called: Hereditary chronic pancreatitis; PRSS1-Related Hereditary Pancreatitis. Identifiers: Orphanet 676, MedGen C0238339, MONDO:0008185, OMIM 167800.

gnomAD v4.1: 1 of 1,614,202 alleles (0.000062%); highest among the groups gnomAD compares: Non-Finnish European, 0.000085%; no homozygotes.

Submissions (2):

Ambry Genetics
Classification: Uncertain significance for Hereditary pancreatitis. Last evaluated: 2024-11-21. Review status: criteria provided, single submitter. Criteria: Ambry Variant Classification Scheme 2023. Collection method: clinical testing. Allele origin: germline.
Comment: The p.P315T variant (also known as c.943C>A), located in coding exon 8 of the CPA1 gene, results from a C to A substitution at nucleotide position 943. The proline at codon 315 is replaced by threonine, an amino acid with highly similar properties. This amino acid position is conserved. In addition, this alteration is predicted to be deleterious by in silico analysis. Based on the available evidence, the clinical significance of this variant remains unclear.

Labcorp Genetics (formerly Invitae), Labcorp
Classification: Uncertain significance. Last evaluated: 2020-09-13. Review status: criteria provided, single submitter. Criteria: Invitae Variant Classification Sherloc (09022015). Collection method: clinical testing. Allele origin: germline.
Comment: This sequence change replaces proline with threonine at codon 315 of the CPA1 protein (p.Pro315Thr). The proline residue is highly conserved and there is a small physicochemical difference between proline and threonine. This variant is not present in population databases (ExAC no frequency). This variant has not been reported in the literature in individuals with CPA1-related conditions. Algorithms developed to predict the effect of missense changes on protein structure and function (SIFT, PolyPhen-2, Align-GVGD) all suggest that this variant is likely to be disruptive, but these predictions have not been confirmed by published functional studies and their clinical significance is uncertain. In summary, the available evidence is currently insufficient to determine the role of this variant in disease. Therefore, it has been classified as a Variant of Uncertain Significance.